The following is an entry in ClinVar:

ClinVar aggregate classification (germline): Pathogenic (1 of 4 stars; one submission).

Conditions:
Neurofibromatosis, type 1 (NF1). Also called: VON RECKLINGHAUSEN DISEASE; Neurofibromatosis, type I; NEUROFIBROMATOSIS, TYPE I, SOMATIC; Peripheral type neurofibromatosis. Identifiers: Orphanet 636, MedGen C0027831, MONDO:0018975, OMIM 162200. Disease mechanism: loss of function.

Submission:

Labcorp Genetics (formerly Invitae), Labcorp
Classification: Pathogenic for Neurofibromatosis, type 1. Last evaluated: 2025-09-23. Review status: criteria provided, single submitter. Criteria: Invitae Variant Classification Sherloc (09022015). Collection method: clinical testing. Allele origin: germline.
Comment: This sequence change creates a premature translational stop signal (Splice site) in the NF1 gene. It is expected to result in an absent or disrupted protein product. Loss-of-function variants in NF1 are known to be pathogenic (PMID: 10712197, 23913538). This variant is not present in population databases (gnomAD no frequency). This variant has not been reported in the literature in individuals affected with NF1-related conditions. This variant is also known as c.586+1dup. For these reasons, this variant has been classified as Pathogenic.

Literature cited by the submitters: PubMed 10712197; PubMed 23913538.

NM_001042492.3(NF1):c.586+1dup

Gene: NF1 (neurofibromin 1; plus strand). Cytogenetic location: 17q11.2.
Variant type: Duplication.
Coding change: c.586+1dup on transcript NM_001042492.3 (MANE Select); the canonical splice donor site of the intron after coding-DNA position 586, one base duplicated (G; older notation c.586+1dupG).
Molecular consequence: splice donor variant.
Genome position (GRCh38, 1-based): chr17:31,169,998, G duplicated; the last of 3 consecutive G bases (chr17:31,169,996-31,169,998); duplicating any one gives the same sequence. VCF-style (leftmost placement, unchanged base first): chr17-31169995-A-AG. GRCh37 (hg19) VCF-style: chr17-29497013-A-AG.
Other names: c.586+1dup (NM_000267.4, NM_001128147.3).
Identifiers: ClinVar variation 4799349 (VCV004799349.1).